The following is an entry in ClinVar:

ClinVar aggregate classification (germline): Likely benign (0 of 4 stars; one submission).

Conditions:
SLC10A1-related disorder. Also called: SLC10A1-related condition.

gnomAD v4.1: 78 of 1,614,002 alleles (0.0048%); highest among the groups gnomAD compares: Non-Finnish European, 0.006%; no homozygotes.

Submission:

PreventionGenetics, part of Exact Sciences
Classification: Likely benign for SLC10A1-related condition. Last evaluated: 2024-04-19. Review status: no assertion criteria provided. Collection method: clinical testing. Allele origin: germline.
Comment: This variant is classified as likely benign based on ACMG/AMP sequence variant interpretation guidelines (Richards et al. 2015 PMID: 25741868, with internal and published modifications).

NM_003049.4(SLC10A1):c.63C>T (p.Arg21=)

Gene: SLC10A1 (solute carrier family 10 member 1; minus strand). Cytogenetic location: 14q24.1.
Variant type: single nucleotide variant.
Coding change: c.63C>T on transcript NM_003049.4 (MANE Select); coding-DNA position 63, C replaced by T.
Protein change: p.Arg21=; no amino-acid change (arginine 21 retained).
Molecular consequence: synonymous variant.
Genome position (GRCh38, 1-based): chr14:69,797,093, G>A on the plus strand (C>T on the coding strand, the complement: SLC10A1 is on the minus strand). VCF-style: chr14-69797093-G-A. GRCh37 (hg19) VCF-style: chr14-70263810-G-A.
Identifiers: ClinVar variation 3351030 (VCV003351030.1).